The following is an entry in ClinVar:

ClinVar aggregate classification (germline): Uncertain significance (1 of 4 stars; one submission).

Conditions:
Evans syndrome, immunodeficiency, and premature immunosenescence associated with tripeptidyl-peptidase II deficiency. Identifiers: MedGen CN231723. Disease mechanism: loss of function.

Submission:

Labcorp Genetics (formerly Invitae), Labcorp
Classification: Uncertain significance for Evans syndrome, immunodeficiency, and premature immunosenescence associated with tripeptidyl-peptidase II deficiency. Last evaluated: 2024-09-13. Review status: criteria provided, single submitter. Criteria: Invitae Variant Classification Sherloc (09022015). Collection method: clinical testing. Allele origin: germline.
Comment: This sequence change replaces glutamic acid, which is acidic and polar, with lysine, which is basic and polar, at codon 179 of the TPP2 protein (p.Glu179Lys). This variant is not present in population databases (gnomAD no frequency). This variant has not been reported in the literature in individuals affected with TPP2-related conditions. An algorithm developed to predict the effect of missense changes on protein structure and function (PolyPhen-2) suggests that this variant is likely to be disruptive. In summary, the available evidence is currently insufficient to determine the role of this variant in disease. Therefore, it has been classified as a Variant of Uncertain Significance.

NM_001330588.2(TPP2):c.535G>A (p.Glu179Lys)

Gene: TPP2 (tripeptidyl peptidase 2; plus strand). Cytogenetic location: 13q33.1.
Variant type: single nucleotide variant.
Coding change: c.535G>A on transcript NM_001330588.2 (MANE Select); coding-DNA position 535, G replaced by A.
Protein change: p.Glu179Lys; replaces glutamic acid 179 with lysine.
Molecular consequence: missense variant. On other transcripts: non-coding transcript variant (1).
Genome position (GRCh38, 1-based): chr13:102,618,761, G>A. VCF-style: chr13-102618761-G-A. GRCh37 (hg19) VCF-style: chr13-103271111-G-A.
Other names: c.535G>A, p.Glu179Lys (NM_001367947.1, NM_003291.4); short protein forms E179K.
Identifiers: ClinVar variation 3715893 (VCV003715893.2).